The following is an entry in ClinVar:

NM_001613.4(ACTA2):c.133G>C (p.Val45Leu)

Gene: ACTA2 (actin alpha 2, smooth muscle; minus strand). Cytogenetic location: 10q23.31.
Variant type: single nucleotide variant.
Coding change: c.133G>C on transcript NM_001613.4 (MANE Select); coding-DNA position 133, G replaced by C.
Protein change: p.Val45Leu; replaces valine 45 with leucine.
Molecular consequence: missense variant. On other transcripts: intron variant (3).
Genome position (GRCh38, 1-based): chr10:88,947,383, C>G on the plus strand (G>C on the coding strand, the complement: ACTA2 is on the minus strand). VCF-style: chr10-88947383-C-G. GRCh37 (hg19) VCF-style: chr10-90707140-C-G.
Other names: c.133G>C, p.Val45Leu (NM_001141945.3, NM_001320855.2, NM_001406462.1 and 4 more transcripts); c.129+1419G>C (NM_001406467.1, NM_001406468.1, NM_001406469.1); short protein forms V45L.
Identifiers: ClinVar variation 4802635 (VCV004802635.1).
Genomic context (GRCh38, chr10:88,947,383, plus strand): 5'-CTCTTTTGCTCTGTGCTTCGTCACCCACGTAGCTGTCTTTTTGTCCCATTCCCACCATCA[C>G]CCCCTAAAAAGGTTCAACACATTATGAGTCAGCATCTCCCAAAACTTGTGAATCAATTAC-3'
Protein context (NP_001604.1, residues 35-55): SIVGRPRHQG[Val45Leu]MVGMGQKDSY

ClinVar aggregate classification (germline): Pathogenic (1 of 4 stars; one submission).

Conditions:
Aortic aneurysm, familial thoracic 6 (AAT6). Also called: FAMILIAL THORACIC AORTIC ANEURYSM WITH LIVEDO RETICULARIS AND IRIS FLOCCULI. Identifiers: MedGen C2673186, MONDO:0012730, OMIM 611788.

Submission:

Labcorp Genetics (formerly Invitae), Labcorp
Classification: Pathogenic for Aortic aneurysm, familial thoracic 6. Last evaluated: 2026-01-19. Review status: criteria provided, single submitter. Criteria: Invitae Variant Classification Sherloc (09022015). Collection method: clinical testing. Allele origin: germline.
Comment: This sequence change replaces valine, which is neutral and non-polar, with leucine, which is neutral and non-polar, at codon 45 of the ACTA2 protein (p.Val45Leu). This variant is not present in population databases (gnomAD no frequency). This missense change has been observed in individuals with thoracic aortic aneurysm and/or dissection (PMID: 21212136, 34422331; internal data). Invitae Evidence Modeling of protein sequence and biophysical properties (such as structural, functional, and spatial information, amino acid conservation, physicochemical variation, residue mobility, and thermodynamic stability) indicates that this missense variant is expected to disrupt ACTA2 protein function with a positive predictive value of 95%. For these reasons, this variant has been classified as Pathogenic.

Literature cited by the submitters: PubMed 21212136; PubMed 34422331.